The following is an entry in ClinVar:

ClinVar aggregate classification (germline): Uncertain significance. Review status: criteria provided, multiple submitters, no conflicts (2 of 4 stars). 2 submissions from 2 submitters: Uncertain significance (2). Last evaluated 2025-12-31.

Conditions:
Cornelia de Lange syndrome 1 (CDLS1). Also called: Brachmann de Lange syndrome; NIPBL-Related Cornelia de Lange Syndrome; TYPUS DEGENERATIVUS AMSTELODAMENSIS. Identifiers: Orphanet 199, MedGen C4551851, MONDO:0007387, OMIM 122470.
Inborn genetic diseases. Identifiers: MedGen C0950123, MeSH D030342.

gnomAD v4.1: 3 of 1,613,720 alleles (0.00019%); highest among the groups gnomAD compares: Non-Finnish European, 0.00025%; no homozygotes.

Submissions (2):

Ambry Genetics
Classification: Uncertain significance for Inborn genetic diseases. Last evaluated: 2025-12-31. Review status: criteria provided, single submitter. Criteria: Ambry Variant Classification Scheme 2023. Collection method: clinical testing. Allele origin: germline.

Labcorp Genetics (formerly Invitae), Labcorp
Classification: Uncertain significance for Cornelia de Lange syndrome 1. Last evaluated: 2025-12-29. Review status: criteria provided, single submitter. Criteria: Invitae Variant Classification Sherloc (09022015). Collection method: clinical testing. Allele origin: germline.
Comment: This sequence change replaces leucine, which is neutral and non-polar, with phenylalanine, which is neutral and non-polar, at codon 40 of the NIPBL protein (p.Leu40Phe). This variant is not present in population databases (gnomAD no frequency). This variant has not been reported in the literature in individuals affected with NIPBL-related conditions. Invitae Evidence Modeling of protein sequence and biophysical properties (such as structural, functional, and spatial information, amino acid conservation, physicochemical variation, residue mobility, and thermodynamic stability) indicates that this missense variant is expected to disrupt NIPBL protein function with a positive predictive value of 95%. In summary, the available evidence is currently insufficient to determine the role of this variant in disease. Therefore, it has been classified as a Variant of Uncertain Significance.

NM_133433.4(NIPBL):c.118C>T (p.Leu40Phe)

Gene: NIPBL (NIPBL cohesin loading factor; plus strand). Cytogenetic location: 5p13.2.
Variant type: single nucleotide variant.
Coding change: c.118C>T on transcript NM_133433.4 (MANE Select); coding-DNA position 118, C replaced by T.
Protein change: p.Leu40Phe; replaces leucine 40 with phenylalanine.
Molecular consequence: missense variant.
Genome position (GRCh38, 1-based): chr5:36,955,525, C>T. VCF-style: chr5-36955525-C-T. GRCh37 (hg19) VCF-style: chr5-36955627-C-T.
Other names: c.118C>T (NM_133433.3); c.118C>T, p.Leu40Phe (NM_001438586.1, NM_015384.5); short protein forms L40F.
Identifiers: ClinVar variation 4802715 (VCV004802715.2).
Genomic context (GRCh38, chr5:36,955,525, plus strand): 5'-CAAATAGTCCTGAACCAGCTGCCTCTTCCATCTCCTTTACCTGCTACAACTACAAAGAGC[C>T]TTCTCTTTAATGCACGAATAGCAGAAGAGGTGAACTGCCTTTTGGCTTGTAGGGATGACA-3'
Protein context (NP_597677.2, residues 30-50): SPLPATTTKS[Leu40Phe]LFNARIAEEV